The following is an entry in ClinVar:

ClinVar aggregate classification (germline): Conflicting classifications of pathogenicity. Review status: criteria provided, conflicting classifications (1 of 4 stars). 3 submissions from 3 submitters: Uncertain significance (2); Likely benign (1). Last evaluated 2024-12-04.

Conditions:
Early-infantile DEE. Also called: Ohtahara syndrome; Early infantile epileptic encephalopathy; Early infantile epileptic encephalopathy with suppression bursts. Identifiers: Orphanet 1934, MedGen C0393706, MONDO:0800491.
Developmental and epileptic encephalopathy, 5 (DEE5). Identifiers: Orphanet 3451, MedGen C3150731, MONDO:0013277, OMIM 613477.

gnomAD v4.1: 1 of 1,614,018 alleles (0.000062%); highest among the groups gnomAD compares: Non-Finnish European, 0.000085%; no homozygotes.

Submissions (3):

Labcorp Genetics (formerly Invitae), Labcorp
Classification: Uncertain significance for Early-infantile DEE. Last evaluated: 2024-12-04. Review status: criteria provided, single submitter. Criteria: Invitae Variant Classification Sherloc (09022015). Collection method: clinical testing. Allele origin: germline.
Comment: This sequence change replaces alanine, which is neutral and non-polar, with threonine, which is neutral and polar, at codon 1824 of the SPTAN1 protein (p.Ala1824Thr). This variant is not present in population databases (gnomAD no frequency). This variant has not been reported in the literature in individuals affected with SPTAN1-related conditions. ClinVar contains an entry for this variant (Variation ID: 207344). Invitae Evidence Modeling of protein sequence and biophysical properties (such as structural, functional, and spatial information, amino acid conservation, physicochemical variation, residue mobility, and thermodynamic stability) has been performed for this missense variant. However, the output from this modeling did not meet the statistical confidence thresholds required to predict the impact of this variant on SPTAN1 protein function. In summary, the available evidence is currently insufficient to determine the role of this variant in disease. Therefore, it has been classified as a Variant of Uncertain Significance.

Genome-Nilou Lab
Classification: Uncertain significance for Developmental and epileptic encephalopathy, 5. Last evaluated: 2021-07-15. Review status: criteria provided, single submitter. Criteria: ACMG Guidelines, 2015. Collection method: clinical testing. Allele origin: germline. Affected: no.

GeneDx
Classification: Likely benign. Last evaluated: 2020-03-10. Review status: criteria provided, single submitter. Criteria: GeneDx Variant Classification Process June 2021. Collection method: clinical testing. Allele origin: germline. Affected: yes.
Comment: Not observed in large population cohorts (Lek et al., 2016); In silico analysis supports that this missense variant does not alter protein structure/function; Has not been previously published as pathogenic or benign to our knowledge

NM_001130438.3(SPTAN1):c.5470G>A (p.Ala1824Thr)

Gene: SPTAN1 (spectrin alpha, non-erythrocytic 1; plus strand). Cytogenetic location: 9q34.11.
Variant type: single nucleotide variant.
Coding change: c.5470G>A on transcript NM_001130438.3 (MANE Select); coding-DNA position 5470, G replaced by A.
Protein change: p.Ala1824Thr; replaces alanine 1824 with threonine.
Molecular consequence: missense variant.
Genome position (GRCh38, 1-based): chr9:128,617,752, G>A. VCF-style: chr9-128617752-G-A. GRCh37 (hg19) VCF-style: chr9-131380031-G-A.
Other names: p.A1824T:GCT>ACT; c.5395G>A, p.Ala1799Thr (NM_001195532.2); c.5470G>A, p.Ala1824Thr (NM_001363759.2); c.5410G>A, p.Ala1804Thr (NM_001363765.2); c.5455G>A, p.Ala1819Thr (NM_003127.4); short protein forms A1824T, A1804T, A1819T, A1799T.
Identifiers: ClinVar variation 207344 (VCV000207344.15), dbSNP rs796053320, ClinGen allele CA318718.
Genomic context (GRCh38, chr9:128,617,752, plus strand): 5'-GTGCAGAACCTGAGGAAGAAGCACAAGCGGCTGGAAGCAGAACTGGCTGCGCATGAGCCG[G>A]CTATTCAGGTAAGGAGGCCGCCTTCTGGCCAAGAGGGCAGAGGTGTTTGAGTGGGCCCCA-3'
Protein context (NP_001123910.1, residues 1814-1834): LEAELAAHEP[Ala1824Thr]IQGVLDTGKK